The following is an entry in ClinVar:

ClinVar aggregate classification (germline): Likely pathogenic (1 of 4 stars; one submission).

Conditions:
Severe X-linked myotubular myopathy (CNMX). Also called: MYOTUBULAR MYOPATHY 1; Myotubular myopathy, X-linked; X-linked centronuclear myopathy. Identifiers: Orphanet 596, MedGen C0410203, MONDO:0010683, OMIM 310400.

Submission:

Myriad Genetics, Inc.
Classification: Likely pathogenic for Severe X-linked myotubular myopathy. Last evaluated: 2022-01-24. Review status: criteria provided, single submitter. Criteria: Myriad Women's Health Autosomal Recessive and X-Linked Classification Criteria (2021). Collection method: clinical testing. Allele origin: unknown.
Comment: NM_000252.2(MTM1):c.1045_1046ins5(H349Pfs*8) is expected to be pathogenic in the context of X-linked myotubular myopathy. This variant is predicted to lead to an abnormal or absent protein product due to the creation of a premature termination codon in MTM1, a gene where loss-of-function variants are known to be pathogenic. Please note: this variant was assessed in the context of healthy population screening.

NM_000252.3(MTM1):c.1045_1046insCCCCT (p.His349fs)

Gene: MTM1 (myotubularin 1; plus strand). Cytogenetic location: Xq28.
Variant type: Insertion.
Coding change: c.1045_1046insCCCCT on transcript NM_000252.3 (MANE Select); coding-DNA positions 1045 to 1046, CCCCT inserted.
Protein change: p.His349fs; shifts the reading frame from histidine 349.
Molecular consequence: frameshift variant.
Genome position: GRCh38 VCF-style: chrX-150649893-C-CCCCCT. GRCh37 (hg19) VCF-style: chrX-149818366-C-CCCCCT.
Other names: c.1045_1046insCCCCT, p.His349fs (NM_001376906.1, NM_001376908.1); c.934_935insCCCCT, p.His312fs (NM_001376907.1); short protein forms H312fs, H349fs.
Identifiers: ClinVar variation 1724041 (VCV001724041.2), dbSNP rs2522400132, ClinGen allele CA2580101635.